The following is an entry in ClinVar:

ClinVar aggregate classification (germline): Uncertain significance. Review status: criteria provided, multiple submitters, no conflicts (2 of 4 stars). 2 submissions from 2 submitters: Uncertain significance (2). Last evaluated 2022-07-12.

Conditions:
Cardiovascular phenotype. Identifiers: MedGen CN230736.

Allele frequency attached by ClinVar (database versions not stated): TOPMed below 0.00001; gnomAD exomes 0.00002; ExAC 0.00005.
gnomAD v4.1: 33 of 1,550,330 alleles (0.0021%); highest among the groups gnomAD compares: Non-Finnish European, 0.0029%; no homozygotes.

Submissions (2):

Labcorp Genetics (formerly Invitae), Labcorp
Classification: Uncertain significance. Last evaluated: 2022-07-12. Review status: criteria provided, single submitter. Criteria: Invitae Variant Classification Sherloc (09022015). Collection method: clinical testing. Allele origin: germline.
Comment: This sequence change replaces leucine, which is neutral and non-polar, with arginine, which is basic and polar, at codon 2534 of the ZNF469 protein (p.Leu2534Arg). In summary, the available evidence is currently insufficient to determine the role of this variant in disease. Therefore, it has been classified as a Variant of Uncertain Significance. Algorithms developed to predict the effect of missense changes on protein structure and function are either unavailable or do not agree on the potential impact of this missense change (SIFT: "Tolerated"; PolyPhen-2: "Possibly Damaging"; Align-GVGD: "Class C0"). This variant has not been reported in the literature in individuals affected with ZNF469-related conditions. This variant is not present in population databases (gnomAD no frequency).

Ambry Genetics
Classification: Uncertain significance for Cardiovascular phenotype. Last evaluated: 2021-03-22. Review status: criteria provided, single submitter. Criteria: Ambry Variant Classification Scheme 2023. Collection method: clinical testing. Allele origin: germline.
Comment: The p.L2534R variant (also known as c.7601T>G), located in coding exon 2 of the ZNF469 gene, results from a T to G substitution at nucleotide position 7601. The leucine at codon 2534 is replaced by arginine, an amino acid with dissimilar properties. This amino acid position is poorly conserved in available vertebrate species. In addition, this alteration is predicted to be tolerated by in silico analysis. Since supporting evidence is limited at this time, the clinical significance of this alteration remains unclear.

NM_001367624.2(ZNF469):c.7685T>G (p.Leu2562Arg)

Gene: ZNF469 (zinc finger protein 469; plus strand). Cytogenetic location: 16q24.2.
Variant type: single nucleotide variant.
Coding change: c.7685T>G on transcript NM_001367624.2 (MANE Select); coding-DNA position 7685, T replaced by G.
Protein change: p.Leu2562Arg; replaces leucine 2562 with arginine.
Molecular consequence: missense variant.
Genome position (GRCh38, 1-based): chr16:88,435,155, T>G. VCF-style: chr16-88435155-T-G. GRCh37 (hg19) VCF-style: chr16-88501563-T-G.
Other names: NM_001127464.1:c.7601T>G; short protein forms L2562R.
Identifiers: ClinVar variation 1759764 (VCV001759764.7), dbSNP rs763370615, ClinGen allele CA8225275.